The following is an entry in ClinVar:

ClinVar aggregate classification (germline): Likely benign. Review status: criteria provided, multiple submitters, no conflicts (2 of 4 stars). 3 submissions from 3 submitters: Likely benign (3). Last evaluated 2026-07-01.

Conditions:
Inborn genetic diseases. Identifiers: MedGen C0950123, MeSH D030342.
Combined oxidative phosphorylation deficiency. Identifiers: MedGen C4540031, MONDO:0000732.
Charcot-Marie-Tooth Neuropathy X. Identifiers: MedGen CN118851.

Submissions (3):

CeGaT Center for Human Genetics Tuebingen
Classification: Likely benign. Last evaluated: 2026-07-01. Review status: criteria provided, single submitter. Criteria: CeGaT Center For Human Genetics Tuebingen Variant Classification Criteria Version 2. Collection method: clinical testing. Allele origin: germline. Affected: yes. Observed: 1 variant allele.
Comment: AIFM1: BP4, BS2

Labcorp Genetics (formerly Invitae), Labcorp
Classification: Likely benign for Charcot-Marie-Tooth Neuropathy X; Combined oxidative phosphorylation deficiency. Last evaluated: 2024-08-13. Review status: criteria provided, single submitter. Criteria: Invitae Variant Classification Sherloc (09022015). Collection method: clinical testing. Allele origin: germline.

Ambry Genetics
Classification: Likely benign for Inborn genetic diseases. Last evaluated: 2020-09-11. Review status: criteria provided, single submitter. Criteria: Ambry Variant Classification Scheme 2023. Collection method: clinical testing. Allele origin: germline.

NM_004208.4(AIFM1):c.1449-5_1449-3del

Genes: AIFM1 (apoptosis inducing factor mitochondria associated 1; minus strand), RAB33A (RAB33A, member RAS oncogene family; plus strand). Cytogenetic location: Xq26.1.
Variant type: Microsatellite.
Coding change: c.1449-5_1449-3del on transcript NM_004208.4 (MANE Select); 5 bases into the intron before coding-DNA position 1449 through 3 bases into the intron before coding-DNA position 1449, 3 bases deleted (CTT; older notation c.1449-5_1449-3delCTT).
Molecular consequence: intron variant.
Genome position (GRCh38, 1-based): chrX:130,131,802-130,131,804, AAG deleted on the plus strand (CTT on the coding strand, the reverse complement: AIFM1 is on the minus strand); deleting any 3 consecutive bases within chrX:130,131,802-130,131,808 gives the same sequence; the c. name uses the placement nearest the transcript's 3' end. VCF-style (leftmost placement, unchanged base first): chrX-130131801-TAAG-T. GRCh37 (hg19) VCF-style: chrX-129265776-TAAG-T.
Other names: c.1437-5_1437-3del (NM_145812.3); c.*677-5_*677-3del (NM_001130847.4); c.432-5_432-3del (NM_001130846.4).
Identifiers: ClinVar variation 1390581 (VCV001390581.9), dbSNP rs761992721, ClinGen allele CA10515278.
Genomic context (GRCh38, chrX:130,131,801, plus strand): 5'-GCAAACTACTGTCCACAAGACCAATAGCTTCATAGCCAACATCGGGGCCCAAATCACTCC[TAAG>T]AAGAGAGAAGAGGGTGTTCTGTCAAGGGACTGTAAGGAATGACACGGTAGCACATATTCT-3'